The following is an entry in ClinVar:

ClinVar aggregate classification (germline): Pathogenic (0 of 4 stars; one submission).

Conditions:
Alkaptonuria (AKU). Also called: Alkaptonuric ochronosis; Homogentisic acidura; Alcaptonuria; HOMOGENTISIC ACID OXIDASE DEFICIENCY. Identifiers: Orphanet 56, MedGen C0002066, MONDO:0008753, OMIM 203500.

Submission:

Department Of Human Genetics, Institute Of Clinical And Translational Research, Biomedical Research Center, Slovak Academy Of Sciences
Classification: Pathogenic for Alkaptonuria. Review status: no assertion criteria provided. Collection method: research. Allele origin: germline. Inheritance: Autosomal recessive inheritance. Affected: yes. Observed: 2 variant alleles.
Comment: The variant was originally described in AKU patient in DOI 10.4274/jpr.20982. It has been submitted to the HGD gene mutation database (DB-ID: AKU_00237).

Literature cited by the submitters: DOI org/10.4274/jpr.20982.

NM_000187.4(HGD):c.679T>C (p.Phe227Leu)

Gene: HGD (homogentisate 1,2-dioxygenase; minus strand). Cytogenetic location: 3q13.33.
Variant type: single nucleotide variant.
Coding change: c.679T>C on transcript NM_000187.4 (MANE Select); coding-DNA position 679, T replaced by C.
Protein change: p.Phe227Leu; replaces phenylalanine 227 with leucine.
Molecular consequence: missense variant.
Genome position (GRCh38, 1-based): chr3:120,644,414, A>G on the plus strand (T>C on the coding strand, the complement: HGD is on the minus strand). VCF-style: chr3-120644414-A-G. GRCh37 (hg19) VCF-style: chr3-120363261-A-G.
Other names: short protein forms F227L.
Identifiers: ClinVar variation 2627723 (VCV002627723.1), dbSNP rs2472690126, ClinGen allele CA354075461.
Genomic context (GRCh38, chr3:120,644,414, plus strand): 5'-TAATGACCGTGTAACCACCTGGTACTTGGCGATCCTCATACCAGGCAATGGGTATCAAGA[A>G]ATCACGAGGATTGGCCAAGCCATTGGCCCCTAGAAAACAGTAACCCAAAAGTCTTTTAGA-3'
Protein context (NP_000178.2, residues 217-237): GANGLANPRD[Phe227Leu]LIPIAWYEDR